The following is an entry in ClinVar:

NM_005313.5(PDIA3):c.472+7A>G

Gene: PDIA3 (protein disulfide isomerase family A member 3; plus strand). Cytogenetic location: 15q15.3.
Variant type: single nucleotide variant.
Coding change: c.472+7A>G on transcript NM_005313.5 (MANE Select); 7 bases into the intron after coding-DNA position 472, A replaced by G.
Molecular consequence: intron variant.
Genome position (GRCh38, 1-based): chr15:43,761,538, A>G. VCF-style: chr15-43761538-A-G. GRCh37 (hg19) VCF-style: chr15-44053736-A-G.
Identifiers: ClinVar variation 3046366 (VCV003046366.2), dbSNP rs754189358, ClinGen allele CA7529624.

ClinVar aggregate classification (germline): Likely benign (0 of 4 stars; one submission).

Conditions:
PDIA3-related disorder. Also called: PDIA3-related condition.

Allele frequency attached by ClinVar (database versions not stated): ExAC 0.00002; TOPMed 0.00002; gnomAD 0.00003; gnomAD exomes 0.00009.
gnomAD v4.1: 109 of 1,307,970 alleles (0.0083%); highest among the groups gnomAD compares: Non-Finnish European, 0.011%; no homozygotes.

Submission:

PreventionGenetics, part of Exact Sciences
Classification: Likely benign for PDIA3-related condition. Last evaluated: 2019-02-22. Review status: no assertion criteria provided. Collection method: clinical testing. Allele origin: germline.
Comment: This variant is classified as likely benign based on ACMG/AMP sequence variant interpretation guidelines (Richards et al. 2015 PMID: 25741868, with internal and published modifications).